The following is an entry in ClinVar:

ClinVar aggregate classification (germline): Pathogenic/Likely pathogenic. Review status: criteria provided, multiple submitters, no conflicts (2 of 4 stars). 4 submissions from 4 submitters: Pathogenic (1); Likely pathogenic (3). Last evaluated 2024-11-10.

Conditions:
Glycogen storage disease type III (GSD3). Also called: Cori disease; FORBES DISEASE. Identifiers: Orphanet 366, MedGen C0017922, MONDO:0009291, OMIM 232400.

Submissions (4):

Labcorp Genetics (formerly Invitae), Labcorp
Classification: Pathogenic for Glycogen storage disease type III. Last evaluated: 2024-11-10. Review status: criteria provided, single submitter. Criteria: Invitae Variant Classification Sherloc (09022015). Collection method: clinical testing. Allele origin: germline.
Comment: This sequence change creates a premature translational stop signal (p.Glu152*) in the AGL gene. It is expected to result in an absent or disrupted protein product. Loss-of-function variants in AGL are known to be pathogenic (PMID: 19299494). This variant is not present in population databases (gnomAD no frequency). This variant has not been reported in the literature in individuals affected with AGL-related conditions. ClinVar contains an entry for this variant (Variation ID: 983783). For these reasons, this variant has been classified as Pathogenic.

Genome-Nilou Lab
Classification: Likely pathogenic for Glycogen storage disease type III. Last evaluated: 2023-04-11. Review status: criteria provided, single submitter. Criteria: ACMG Guidelines, 2015. Collection method: clinical testing. Allele origin: germline. Affected: no.

Fulgent Genetics
Classification: Likely pathogenic for Glycogen storage disease type III. Last evaluated: 2022-02-11. Review status: criteria provided, single submitter. Criteria: ACMG Guidelines, 2015. Collection method: clinical testing. Allele origin: unknown.

Myriad Genetics, Inc.
Classification: Likely pathogenic for Glycogen storage disease type III. Last evaluated: 2019-12-29. Review status: criteria provided, single submitter. Criteria: Myriad Women's Health Autosomal Recessive and X-Linked Classification Criteria (2019). Collection method: clinical testing. Allele origin: unknown.
Comment: NM_000642.2(AGL):c.454G>T(E152*) is expected to be pathogenic in the context of glycogen storage disease type III. This variant is predicted to lead to an abnormal or absent protein product due to the creation of a premature termination codon in AGL, a gene where loss-of-function variants are known to be pathogenic. Please note: this variant was assessed in the context of healthy population screening.

Literature cited by the submitters: PubMed 19299494 (cited by Labcorp Genetics (formerly Invitae), Labcorp).

NM_000642.3(AGL):c.454G>T (p.Glu152Ter)

Gene: AGL (amylo-alpha-1,6-glucosidase and 4-alpha-glucanotransferase; plus strand). Cytogenetic location: 1p21.2.
Variant type: single nucleotide variant.
Coding change: c.454G>T on transcript NM_000642.3 (MANE Select); coding-DNA position 454, G replaced by T.
Protein change: p.Glu152Ter; replaces glutamic acid 152 with a stop codon.
Molecular consequence: nonsense.
Genome position (GRCh38, 1-based): chr1:99,862,417, G>T. VCF-style: chr1-99862417-G-T. GRCh37 (hg19) VCF-style: chr1-100327973-G-T.
Other names: c.454G>T, p.Glu152Ter (NM_000028.3, NM_000643.3, NM_000644.3 and 5 more transcripts); c.406G>T, p.Glu136Ter (NM_000646.3); short protein forms E136*, E152*.
Identifiers: ClinVar variation 983783 (VCV000983783.7), dbSNP rs1650125542, ClinGen allele CA341332967.